The following is an entry in ClinVar:

NM_001374353.1(GLI2):c.1587C>T (p.Asn529=)

Gene: GLI2 (GLI family zinc finger 2; plus strand). Cytogenetic location: 2q14.2.
Variant type: single nucleotide variant.
Coding change: c.1587C>T on transcript NM_001374353.1 (MANE Select); coding-DNA position 1587, C replaced by T.
Protein change: p.Asn529=; no amino-acid change (asparagine 529 retained).
Molecular consequence: synonymous variant.
Genome position (GRCh38, 1-based): chr2:120,982,835, C>T. VCF-style: chr2-120982835-C-T. GRCh37 (hg19) VCF-style: chr2-121740411-C-T.
Other names: c.1638C>T, p.Asn546= (NM_005270.5, NM_001371271.1); c.1212C>T, p.Asn404= (NM_001374354.1).
Identifiers: ClinVar variation 1122273 (VCV001122273.11), dbSNP rs767400136, ClinGen allele CA1851958.

ClinVar aggregate classification (germline): Likely benign. Review status: criteria provided, multiple submitters, no conflicts (2 of 4 stars). 2 submissions from 2 submitters: Likely benign (2). Last evaluated 2026-09-01.

Conditions:
Holoprosencephaly 9 (HPE9). Also called: PITUITARY ANOMALIES WITH HOLOPROSENCEPHALY-LIKE FEATURES; HOLOPROSENCEPHALY WITH MICROPHTHALMIA AND FIRST BRANCHIAL ARCH ANOMALIES. Identifiers: Orphanet 2162, MedGen C1835819, MONDO:0012563, OMIM 610829.
Postaxial polydactyly-anterior pituitary anomalies-facial dysmorphism syndrome. Also called: Culler-Jones syndrome. Identifiers: Orphanet 420584, MedGen C4014479, MONDO:0014369, OMIM 615849.

Allele frequency attached by ClinVar (database versions not stated): ExAC 0.00003; gnomAD exomes 0.00003 and 0.00005; TOPMed 0.00008; gnomAD 0.00009 and 0.00011.
gnomAD v4.1: 66 of 1,613,996 alleles (0.0041%); highest among the groups gnomAD compares: Admixed American, 0.023%; no homozygotes.

Submissions (2):

CeGaT Center for Human Genetics Tuebingen
Classification: Likely benign. Last evaluated: 2026-09-01. Review status: criteria provided, single submitter. Criteria: CeGaT Center For Human Genetics Tuebingen Variant Classification Criteria Version 2. Collection method: clinical testing. Allele origin: germline. Affected: yes. Observed: 1 variant allele.
Comment: GLI2: BP4, BP7

Labcorp Genetics (formerly Invitae), Labcorp
Classification: Likely benign for Postaxial polydactyly-anterior pituitary anomalies-facial dysmorphism syndrome; Holoprosencephaly 9. Last evaluated: 2025-12-19. Review status: criteria provided, single submitter. Criteria: Invitae Variant Classification Sherloc (09022015). Collection method: clinical testing. Allele origin: germline.